The following is an entry in ClinVar:

ClinVar aggregate classification (germline): Benign. Review status: criteria provided, multiple submitters, no conflicts (2 of 4 stars). 6 submissions from 6 submitters: Benign (5). 1 of the submissions does not count toward it. Last evaluated 2026-02-03.

Conditions:
ANKS6-related disorder. Also called: ANKS6-related condition.
Nephronophthisis 16 (NPHP16). Identifiers: Orphanet 655, MedGen C3809320, MONDO:0014158, OMIM 615382.

Allele frequency attached by ClinVar (database versions not stated): gnomAD 0.10234 and 0.10576; TOPMed 0.10359; gnomAD exomes 0.11837 and 0.14098; 1000 Genomes Project 30x 0.12149; 1000 Genomes Project 0.12380; ExAC 0.26052.
gnomAD v4.1: 165,503 of 1,412,228 alleles (12%); highest among the groups gnomAD compares: East Asian, 22%; 10,695 homozygotes.

Submissions (6):

Labcorp Genetics (formerly Invitae), Labcorp
Classification: Benign for Nephronophthisis 16. Last evaluated: 2026-02-03. Review status: criteria provided, single submitter. Criteria: Invitae Variant Classification Sherloc (09022015). Collection method: clinical testing. Allele origin: germline.

Blueprint Genetics
Classification: Benign. Last evaluated: 2024-11-27. Review status: criteria provided, single submitter. Criteria: ACMG Guidelines, 2015. Collection method: clinical testing. Allele origin: germline.

Mayo Clinic Laboratories, Mayo Clinic
Classification: Benign. Last evaluated: 2022-03-09. Review status: criteria provided, single submitter. Criteria: ACMG Guidelines, 2015. Collection method: clinical testing. Allele origin: germline. Observed: 36 variant alleles.

GeneDx
Classification: Benign. Last evaluated: 2018-11-10. Review status: criteria provided, single submitter. Criteria: GeneDx Variant Classification Process June 2021. Collection method: clinical testing. Allele origin: germline. Affected: yes.

Breakthrough Genomics
Classification: Benign. Review status: criteria provided, single submitter. Criteria: ACMG Guidelines, 2015. Collection method: not provided. Allele origin: germline. Inheritance: Autosomal recessive inheritance. Affected: yes.

PreventionGenetics, part of Exact Sciences
Classification: Benign for ANKS6-related condition. Last evaluated: 2022-09-26. Review status: no assertion criteria provided. Collection method: clinical testing. Allele origin: germline. Not counted in ClinVar's aggregate classification.
Comment: This variant is classified as benign based on ACMG/AMP sequence variant interpretation guidelines (Richards et al. 2015 PMID: 25741868, with internal and published modifications).

NM_173551.5(ANKS6):c.330C>T (p.Tyr110=)

Gene: ANKS6 (ankyrin repeat and sterile alpha motif domain containing 6; minus strand). Cytogenetic location: 9q22.33.
Variant type: single nucleotide variant.
Coding change: c.330C>T on transcript NM_173551.5 (MANE Select); coding-DNA position 330, C replaced by T.
Protein change: p.Tyr110=; no amino-acid change (tyrosine 110 retained).
Molecular consequence: synonymous variant.
Genome position (GRCh38, 1-based): chr9:98,796,162, G>A on the plus strand (C>T on the coding strand, the complement: ANKS6 is on the minus strand). VCF-style: chr9-98796162-G-A. GRCh37 (hg19) VCF-style: chr9-101558444-G-A.
Other names: p.Tyr110=; c.330C>T (NM_173551.4).
Identifiers: ClinVar variation 262851 (VCV000262851.18), dbSNP rs76903503, ClinGen allele CA5153879.
Genomic context (GRCh38, chr9:98,796,162, plus strand): 5'-GGTCCCGGGCCCCCGGGCCCCGCCGCCTCACCTGGCCGCCTGCATGAGCGCGCTCCAGCC[G>A]TAGTGGTTGCGGCTGTTGACCGAGGCACCGCGGCGCAGCAGGAAGCGCACCAGCGGTTCG-3'
Protein context (NP_775822.3, residues 100-120): RGASVNSRNH[Tyr110=]GWSALMQAAR